The following is an entry in ClinVar:

NM_004826.4(ECEL1):c.716dup (p.Tyr239Ter)

Gene: ECEL1 (endothelin converting enzyme like 1; minus strand). Cytogenetic location: 2q37.1.
Variant type: Duplication.
Coding change: c.716dup on transcript NM_004826.4 (MANE Select); coding-DNA position 716, one base duplicated (A; older notation c.716dupA).
Protein change: p.Tyr239Ter; replaces tyrosine 239 with a stop codon.
Molecular consequence: nonsense.
Genome position (GRCh38, 1-based): chr2:232,485,938, T duplicated on the plus strand (A on the coding strand, the reverse complement: ECEL1 is on the minus strand). VCF-style (leftmost placement, unchanged base first): chr2-232485937-G-GT. GRCh37 (hg19) VCF-style: chr2-233350647-G-GT.
Other names: c.716dup, p.Tyr239Ter (NM_001290787.2); short protein forms Y239*.
Identifiers: ClinVar variation 39488 (VCV000039488.3), dbSNP rs587776917, ClinGen allele CA130329.

ClinVar aggregate classification (germline): Pathogenic. Review status: criteria provided, multiple submitters, no conflicts (2 of 4 stars). 3 submissions from 3 submitters: Pathogenic (2). 1 of the submissions does not count toward it. Last evaluated 2013-01-08.

Conditions:
Distal arthrogryposis type 5D (DA5D). Identifiers: Orphanet 329457, MedGen C3554415, MONDO:0014028, OMIM 615065.

Submissions (3):

University of Washington Center for Mendelian Genomics, University of Washington
Classification: Pathogenic for Distal arthrogryposis type 5D. Last evaluated: 2013-01-08. Review status: criteria provided, single submitter. Criteria: Submitter's publication. Collection method: research. Allele origin: inherited. Affected: yes.

Department of Medical Genetics, Sanjay Gandhi Post Graduate Institute of Medical Sciences
Classification: Pathogenic for Distal arthrogryposis type 5D. Review status: criteria provided, single submitter. Criteria: ACMG Guidelines, 2015. Collection method: clinical testing. Allele origin: inherited. Inheritance: Autosomal recessive inheritance. Affected: yes. Observed: 1 homozygote.
Comment: Sanger sequencing showed a homozygous sequence variant in ECEL1 gene resulting in termination of protein. It is predicted as pathogenic by MutationTaster. This variant is classified as pathogenic which shows strong evidence of pathogenicity according to ACMG guidelines (Richards et al., 2015).

OMIM
Classification: Pathogenic for ARTHROGRYPOSIS, DISTAL, TYPE 5D. Last evaluated: 2013-01-10. Review status: no assertion criteria provided. Collection method: literature only. Allele origin: germline. Not counted in ClinVar's aggregate classification.

Literature cited by the submitters: PubMed 23261301 (cited by OMIM).